The following is an entry in ClinVar:

ClinVar aggregate classification (germline): Uncertain significance (1 of 4 stars; one submission).

Submission:

Labcorp Genetics (formerly Invitae), Labcorp
Classification: Uncertain significance. Last evaluated: 2024-03-19. Review status: criteria provided, single submitter. Criteria: Invitae Variant Classification Sherloc (09022015). Collection method: clinical testing. Allele origin: germline.
Comment: This sequence change replaces isoleucine, which is neutral and non-polar, with threonine, which is neutral and polar, at codon 205 of the ICOSLG protein (p.Ile205Thr). This variant is present in population databases (no rsID available, gnomAD 0.001%). This variant has not been reported in the literature in individuals affected with ICOSLG-related conditions. ClinVar contains an entry for this variant (Variation ID: 1992203). An algorithm developed to predict the effect of missense changes on protein structure and function (PolyPhen-2) suggests that this variant is likely to be disruptive. In summary, the available evidence is currently insufficient to determine the role of this variant in disease. Therefore, it has been classified as a Variant of Uncertain Significance.

NM_015259.6(ICOSLG):c.614T>C (p.Ile205Thr)

Gene: ICOSLG (inducible T cell costimulator ligand; minus strand). Cytogenetic location: 21q22.3.
Variant type: single nucleotide variant.
Coding change: c.614T>C on transcript NM_015259.6 (MANE Select); coding-DNA position 614, T replaced by C.
Protein change: p.Ile205Thr; replaces isoleucine 205 with threonine.
Molecular consequence: missense variant.
Genome position (GRCh38, 1-based): chr21:44,235,355, A>G on the plus strand (T>C on the coding strand, the complement: ICOSLG is on the minus strand). VCF-style: chr21-44235355-A-G. GRCh37 (hg19) VCF-style: chr21-45655238-A-G.
Other names: c.614T>C, p.Ile205Thr (NM_001283050.2, NM_001395918.1); c.263T>C, p.Ile88Thr (NM_001283051.2); c.359T>C, p.Ile120Thr (NM_001283052.2); c.533T>C, p.Ile178Thr (NM_001365759.2); short protein forms I88T, I178T, I120T, I205T.
Identifiers: ClinVar variation 1992203 (VCV001992203.4), dbSNP rs1251068185, ClinGen allele CA410614750.